The following is an entry in ClinVar:

ClinVar aggregate classification (germline): Pathogenic (1 of 4 stars; one submission).

Submission:

Quest Diagnostics Nichols Institute San Juan Capistrano
Classification: Pathogenic. Last evaluated: 2021-06-09. Review status: criteria provided, single submitter. Criteria: ACMG/ClinGen CNV Guidelines, 2019. Collection method: clinical testing. Allele origin: unknown.
Comment: The copy number loss of 7q21.3 involves three protein-coding genes, including DYNC1I1 (OMIM 603772), SLC25A13 (OMIM 603859), and SEM1 (OMIM 601285) and is expected to cause phenotypic and developmental abnormalities. Overlapping deletions of this region preserving candidate genes DLX5 and DLX6, have been reported in multiple familial patients with a variable phenotype including split hand foot malformation (SHFM), hearing loss, intellectual disability of variable degree, and significant craniofacial abnormalities (Ramos-Zaldivar et al. J Med Case Rep. 2016 Jun 13;10(1):156. PMID: 27291887; Delgado et al. Mol Cytogenet. 2015 Jun 13;8:37. PMID: 26075025; Tayebi et al. Orphanet J Rare Dis. 2014 Jul 29;9:108. PMID: 25231166). Reduced penetrance has also been reported (Rattanasopha et al. J Med Genet. 2014 Dec;51(12):817-23. PMID: 25332435). The minimal SHFM critical region (880 Kb), suggested by Delgado et al., is fully encompassed within the current deleted interval (Delgado S et al. Mol Cytogenet. 2015 Jun 13;8:37. PMID: 26075025). The enhancers of DLX5/6 within DYNC1I1, not the DLX5/6 gene locus, also fall within the current deleted interval. Loss of these enhancer elements has been suggested as one of the SHFM disease mechanisms (Birnbaum RY, et al. Hum Mol Genet. 2012 Nov 15;21(22):4930-8. PMID: 22914741). Rattanasopha et al. further suggested that paternal deletion of enhancers of the osteoblast-specific maternally imprinted DLX5/6 genes may result in absence of their proteins, thus may produce the disease phenotype. Additional information on this locus: Biallelic pathogenic sequence variants of SLC25A13 are associated with autosomal recessive conditions of citrullinemia (OMIM 603471 and OMIM 605814).

GRCh37/hg19 7q21.3(chr7:95258682-96465856)x1

Genes: C7orf76 (chromosome 7 open reading frame 76; minus strand), DYNC1I1 (dynein cytoplasmic 1 intermediate chain 1; plus strand), SEM1 (SEM1 26S proteasome subunit; minus strand), SLC25A13 (solute carrier family 25 member 13; minus strand). Cytogenetic location: 7q21.3.
Variant type: copy number loss.
Change: copy number 1 (one copy instead of two) of chr7:95,258,682-96,465,856 (1.21 Mb, GRCh37 coordinates, 1-based), cytogenetic band 7q21.3.
Identifiers: ClinVar variation 1807695 (VCV001807695.1).